The following is an entry in ClinVar:

NM_001330588.2(TPP2):c.2530T>C (p.Cys844Arg)

Gene: TPP2 (tripeptidyl peptidase 2; plus strand). Cytogenetic location: 13q33.1.
Variant type: single nucleotide variant.
Coding change: c.2530T>C on transcript NM_001330588.2 (MANE Select); coding-DNA position 2530, T replaced by C.
Protein change: p.Cys844Arg; replaces cysteine 844 with arginine.
Molecular consequence: missense variant. On other transcripts: non-coding transcript variant (1).
Genome position (GRCh38, 1-based): chr13:102,647,246, T>C. VCF-style: chr13-102647246-T-C. GRCh37 (hg19) VCF-style: chr13-103299596-T-C.
Other names: c.2530T>C, p.Cys844Arg (NM_001367947.1, NM_003291.4); short protein forms C844R.
Identifiers: ClinVar variation 850697 (VCV000850697.9), dbSNP rs1883170944, ClinGen allele CA388499459.
Genomic context (GRCh38, chr13:102,647,246, plus strand): 5'-ATCTTTTTTGTTTTTTAATAGCCCAAGAGTGGGGAAGTAACTCCAAGCTGCCCACTACTT[T>C]GTGAACTATTATATGAATCTGAATTTGACAGCCAACTGTGGATTATTTTTGACCAGAACA-3'
Protein context (NP_001317517.1, residues 834-854): GEVTPSCPLL[Cys844Arg]ELLYESEFDS

ClinVar aggregate classification (germline): Uncertain significance (1 of 4 stars; one submission).

Conditions:
Evans syndrome, immunodeficiency, and premature immunosenescence associated with tripeptidyl-peptidase II deficiency. Identifiers: MedGen CN231723. Disease mechanism: loss of function.

Submission:

Labcorp Genetics (formerly Invitae), Labcorp
Classification: Uncertain significance for Evans syndrome, immunodeficiency, and premature immunosenescence associated with tripeptidyl-peptidase II deficiency. Last evaluated: 2019-12-04. Review status: criteria provided, single submitter. Criteria: Invitae Variant Classification Sherloc (09022015). Collection method: clinical testing. Allele origin: germline.
Comment: This variant has not been reported in the literature in individuals with TPP2-related conditions. In summary, the available evidence is currently insufficient to determine the role of this variant in disease. Therefore, it has been classified as a Variant of Uncertain Significance. Algorithms developed to predict the effect of missense changes on protein structure and function are either unavailable or do not agree on the potential impact of this missense change (SIFT: "Tolerated"; PolyPhen-2: "Probably Damaging"; Align-GVGD: "Class C0"). This variant is not present in population databases (ExAC no frequency). This sequence change replaces cysteine with arginine at codon 844 of the TPP2 protein (p.Cys844Arg). The cysteine residue is highly conserved and there is a large physicochemical difference between cysteine and arginine.